The following is an entry in ClinVar:

ClinVar aggregate classification (germline): Uncertain significance (1 of 4 stars; one submission).

Allele frequency attached by ClinVar (database versions not stated): gnomAD 0.00001.
gnomAD v4.1: 5 of 1,614,074 alleles (0.00031%); highest among the groups gnomAD compares: Non-Finnish European, 0.00042%; no homozygotes.

Submission:

Ambry Genetics
Classification: Uncertain significance. Last evaluated: 2022-12-04. Review status: criteria provided, single submitter. Criteria: Ambry Variant Classification Scheme 2023. Collection method: clinical testing. Allele origin: germline.
Comment: The p.R1416K variant (also known as c.4247G>A), located in coding exon 4 of the ALPK2 gene, results from a G to A substitution at nucleotide position 4247. The arginine at codon 1416 is replaced by lysine, an amino acid with highly similar properties. This amino acid position is conserved. In addition, this alteration is predicted to be tolerated by in silico analysis. Since supporting evidence is limited at this time, the clinical significance of this alteration remains unclear.

NM_052947.4(ALPK2):c.4247G>A (p.Arg1416Lys)

Genes: ALPK2 (alpha kinase 2; minus strand), LOC126862764 (BRD4-independent group 4 enhancer GRCh37_chr18:56202574-56203773; plus strand). Cytogenetic location: 18q21.31.
Variant type: single nucleotide variant.
Coding change: c.4247G>A on transcript NM_052947.4 (MANE Select); coding-DNA position 4247, G replaced by A.
Protein change: p.Arg1416Lys; replaces arginine 1416 with lysine.
Molecular consequence: missense variant.
Genome position (GRCh38, 1-based): chr18:58,535,940, C>T on the plus strand (G>A on the coding strand, the complement: ALPK2 is on the minus strand). VCF-style: chr18-58535940-C-T. GRCh37 (hg19) VCF-style: chr18-56203172-C-T.
Other names: short protein forms R1416K.
Identifiers: ClinVar variation 2497283 (VCV002497283.2), dbSNP rs1171003188, ClinGen allele CA402563513.
Genomic context (GRCh38, chr18:58,535,940, plus strand): 5'-GATTGACCCCCTTCTCTGGCGCCCTGTGGTGTGGTTTCAGAGGGCTCTGGTTTTCCAGCC[C>T]TGGTGTACTCTATCACACTTATCTCATCAATGGGATCTACAGAGGACTCTAGGATTTTAG-3'
Protein context (NP_443179.3, residues 1406-1426): IDEISVIEYT[Arg1416Lys]AGKPEPSETT